The following is an entry in ClinVar:

NM_145045.5(ODAD3):c.254G>A (p.Arg85Gln)

Gene: ODAD3 (outer dynein arm docking complex subunit 3; minus strand). Cytogenetic location: 19p13.2.
Variant type: single nucleotide variant.
Coding change: c.254G>A on transcript NM_145045.5 (MANE Select); coding-DNA position 254, G replaced by A.
Protein change: p.Arg85Gln; replaces arginine 85 with glutamine.
Molecular consequence: missense variant.
Genome position (GRCh38, 1-based): chr19:11,431,011, C>T on the plus strand (G>A on the coding strand, the complement: ODAD3 is on the minus strand). VCF-style: chr19-11431011-C-T. GRCh37 (hg19) VCF-style: chr19-11541831-C-T.
Other names: p.Arg85Gln; c.92G>A, p.Arg31Gln (NM_001302453.1); c.254G>A, p.Arg85Gln (NM_001302454.2); short protein forms R85Q, R31Q.
Identifiers: ClinVar variation 414142 (VCV000414142.18), dbSNP rs143192349, ClinGen allele CA9212475.

ClinVar aggregate classification (germline): Conflicting classifications of pathogenicity. Review status: criteria provided, conflicting classifications (1 of 4 stars). 7 submissions from 7 submitters: Uncertain significance (2); Benign (2); Likely benign (3). Last evaluated 2026-02-01.

Conditions:
Inborn genetic diseases. Identifiers: MedGen C0950123, MeSH D030342.
Primary ciliary dyskinesia 30. Also called: CILIARY DYSKINESIA, PRIMARY, 30, WITH OR WITHOUT SITUS INVERSUS. Identifiers: Orphanet 244, MedGen C4015016, MONDO:0014465, OMIM 616037.

Allele frequency attached by ClinVar (database versions not stated): 1000 Genomes Project 30x 0.00187; 1000 Genomes Project 0.00200; TOPMed 0.00324; gnomAD exomes 0.00369 and 0.00562; ExAC 0.00414; gnomAD 0.00328 and 0.00337; ESP Exome Variant Server 0.00357.
gnomAD v4.1: 8,656 of 1,614,066 alleles (0.54%); highest among the groups gnomAD compares: South Asian, 0.77%; 35 homozygotes.

Submissions (7):

Labcorp Genetics (formerly Invitae), Labcorp
Classification: Benign for Primary ciliary dyskinesia 30. Last evaluated: 2026-02-01. Review status: criteria provided, single submitter. Criteria: Invitae Variant Classification Sherloc (09022015). Collection method: clinical testing. Allele origin: germline.

Mayo Clinic Laboratories, Mayo Clinic
Classification: Benign. Last evaluated: 2023-05-15. Review status: criteria provided, single submitter. Criteria: ACMG Guidelines, 2015. Collection method: clinical testing. Allele origin: germline. Observed: 5 variant alleles.
Comment: BS1, BS2, BP4

GeneDx
Classification: Uncertain significance. Last evaluated: 2023-02-24. Review status: criteria provided, single submitter. Criteria: GeneDx Variant Classification Process June 2021. Collection method: clinical testing. Allele origin: germline. Affected: yes.
Comment: In silico analysis supports that this missense variant has a deleterious effect on protein structure/function; Has not been previously published as pathogenic or benign to our knowledge

Ambry Genetics
Classification: Uncertain significance for Inborn genetic diseases. Last evaluated: 2022-11-08. Review status: criteria provided, single submitter. Criteria: Ambry Variant Classification Scheme 2023. Collection method: clinical testing. Allele origin: germline.

ARUP Laboratories, Molecular Genetics and Genomics, ARUP Laboratories
Classification: Likely benign for Primary ciliary dyskinesia 30. Last evaluated: 2022-09-16. Review status: criteria provided, single submitter. Criteria: ARUP Molecular Germline Variant Investigation Process 2021. Collection method: clinical testing. Allele origin: germline.

Johns Hopkins Genomics, Johns Hopkins University
Classification: Likely benign for Primary ciliary dyskinesia 30. Last evaluated: 2020-09-16. Review status: criteria provided, single submitter. Criteria: ACMG Guidelines, 2015. Collection method: clinical testing. Allele origin: germline.

Genetics and Molecular Pathology, SA Pathology
Classification: Likely benign for Primary ciliary dyskinesia 30. Last evaluated: 2020-02-18. Review status: criteria provided, single submitter. Criteria: ACMG Guidelines, 2015. Collection method: clinical testing. Allele origin: germline. Inheritance: Autosomal recessive inheritance.